The following is an entry in ClinVar:

NM_001042492.3(NF1):c.4529_4543del (p.Leu1510_Asn1514del)

Gene: NF1 (neurofibromin 1; plus strand). Cytogenetic location: 17q11.2.
Variant type: Deletion.
Coding change: c.4529_4543del on transcript NM_001042492.3 (MANE Select); coding-DNA positions 4529 to 4543, 15 bases deleted (TACTCTGGAACAATC).
Protein change: p.Leu1510_Asn1514del.
Molecular consequence: inframe deletion. On other transcripts: inframe indel (1).
Genome position (GRCh38, 1-based): chr17:31,260,467-31,260,481, TACTCTGGAACAATC deleted; deleting any 15 consecutive bases within chr17:31,260,465-31,260,481 gives the same sequence; the c. name uses the placement nearest the transcript's 3' end. VCF-style (leftmost placement, unchanged base first): chr17-31260464-GTCTACTCTGGAACAA-G. GRCh37 (hg19) VCF-style: chr17-29587482-GTCTACTCTGGAACAA-G.
Other names: c.4466_4480delTACTCTGGAACAATC, p.Leu1489_Asn1493del (NM_000267.4); c.4466_4480delTACTCTGGAACAATC (NM_000267.3).
Identifiers: ClinVar variation 527466 (VCV000527466.4), dbSNP rs1555618846, ClinGen allele CA658798803.

ClinVar aggregate classification (germline): Pathogenic (1 of 4 stars; one submission).

Conditions:
Neurofibromatosis, type 1 (NF1). Also called: VON RECKLINGHAUSEN DISEASE; NEUROFIBROMATOSIS, TYPE I, SOMATIC; Peripheral type neurofibromatosis; Neurofibromatosis, type I. Identifiers: Orphanet 636, MedGen C0027831, MONDO:0018975, OMIM 162200. Disease mechanism: loss of function.

Submission:

Labcorp Genetics (formerly Invitae), Labcorp
Classification: Pathogenic for Neurofibromatosis, type 1. Last evaluated: 2023-07-14. Review status: criteria provided, single submitter. Criteria: Invitae Variant Classification Sherloc (09022015). Collection method: clinical testing. Allele origin: germline.
Comment: This variant has not been reported in the literature in individuals affected with NF1-related conditions. For these reasons, this variant has been classified as Pathogenic. This variant disrupts a region of the NF1 protein in which other variant(s) (p.Leu1490Pro) have been determined to be pathogenic (PMID: 25541118, 26635368, 29914388). This suggests that this is a clinically significant region of the protein, and that variants that disrupt it are likely to be disease-causing. Experimental studies and prediction algorithms are not available or were not evaluated, and the functional significance of this variant is currently unknown. ClinVar contains an entry for this variant (Variation ID: 527466). This variant is not present in population databases (gnomAD no frequency). This variant, c.4466_4480del, results in the deletion of 5 amino acid(s) of the NF1 protein (p.Leu1489_Asn1493del), but otherwise preserves the integrity of the reading frame.

Literature cited by the submitters: PubMed 25541118; PubMed 26635368; PubMed 29914388.